The following is an entry in ClinVar:

ClinVar aggregate classification (germline): Uncertain significance. Review status: criteria provided, multiple submitters, no conflicts (2 of 4 stars). 2 submissions from 2 submitters: Uncertain significance (2). Last evaluated 2026-01-01.

Allele frequency attached by ClinVar (database versions not stated): gnomAD 0.00001; ExAC 0.00002; gnomAD exomes 0.00002.
gnomAD v4.1: 33 of 1,613,518 alleles (0.002%); highest among the groups gnomAD compares: Middle Eastern, 0.016%; no homozygotes.

Submissions (2):

Labcorp Genetics (formerly Invitae), Labcorp
Classification: Uncertain significance. Last evaluated: 2026-01-01. Review status: criteria provided, single submitter. Criteria: Invitae Variant Classification Sherloc (09022015). Collection method: clinical testing. Allele origin: germline.
Comment: This sequence change replaces arginine, which is basic and polar, with cysteine, which is neutral and slightly polar, at codon 1865 of the OTOGL protein (p.Arg1865Cys). This variant is present in population databases (rs764101109, gnomAD 0.006%). This variant has not been reported in the literature in individuals affected with OTOGL-related conditions. ClinVar contains an entry for this variant (Variation ID: 3252386). An algorithm developed to predict the effect of missense changes on protein structure and function (PolyPhen-2) suggests that this variant is likely to be disruptive. In summary, the available evidence is currently insufficient to determine the role of this variant in disease. Therefore, it has been classified as a Variant of Uncertain Significance.

GeneDx
Classification: Uncertain significance. Last evaluated: 2024-03-27. Review status: criteria provided, single submitter. Criteria: GeneDx Variant Classification Process June 2021. Collection method: clinical testing. Allele origin: germline. Affected: yes.
Comment: Not observed at significant frequency in large population cohorts (gnomAD); In silico analysis supports that this missense variant has a deleterious effect on protein structure/function; Has not been previously published as pathogenic or benign to our knowledge

NM_001378609.3(OTOGL):c.5620C>T (p.Arg1874Cys)

Gene: OTOGL (otogelin like; plus strand). Cytogenetic location: 12q21.31.
Variant type: single nucleotide variant.
Coding change: c.5620C>T on transcript NM_001378609.3 (MANE Select); coding-DNA position 5620, C replaced by T.
Protein change: p.Arg1874Cys; replaces arginine 1874 with cysteine.
Molecular consequence: missense variant.
Genome position (GRCh38, 1-based): chr12:80,355,762, C>T. VCF-style: chr12-80355762-C-T. GRCh37 (hg19) VCF-style: chr12-80749542-C-T.
Other names: c.5485C>T, p.Arg1829Cys (NM_001368062.3); c.5620C>T, p.Arg1874Cys (NM_001378610.3, NM_173591.7); short protein forms R1829C, R1874C.
Identifiers: ClinVar variation 3252386 (VCV003252386.2), dbSNP rs764101109.